The following is an entry in ClinVar:

NM_004435.2(ENDOG):c.198G>C (p.Lys66Asn)

Gene: ENDOG (endonuclease G; plus strand). Cytogenetic location: 9q34.11.
Variant type: single nucleotide variant.
Coding change: c.198G>C on transcript NM_004435.2 (MANE Select); coding-DNA position 198, G replaced by C.
Protein change: p.Lys66Asn; replaces lysine 66 with asparagine.
Molecular consequence: missense variant.
Genome position (GRCh38, 1-based): chr9:128,818,882, G>C. VCF-style: chr9-128818882-G-C. GRCh37 (hg19) VCF-style: chr9-131581161-G-C.
Other names: short protein forms K66N.
Identifiers: ClinVar variation 3388005 (VCV003388005.14).

ClinVar aggregate classification (germline): Benign (1 of 4 stars; one submission).

gnomAD v4.1: 16,520 of 1,458,820 alleles (1.1%); highest among the groups gnomAD compares: Non-Finnish European, 1.3%; 134 homozygotes.

Submission:

CeGaT Center for Human Genetics Tuebingen
Classification: Benign. Last evaluated: 2024-10-01. Review status: criteria provided, single submitter. Criteria: CeGaT Center For Human Genetics Tuebingen Variant Classification Criteria Version 2. Collection method: clinical testing. Allele origin: germline. Affected: yes. Observed: 1 variant allele.
Comment: ENDOG: BS1, BS2